The following is an entry in ClinVar:

NM_000330.4(RS1):c.374T>G (p.Ile125Arg)

Genes: CDKL5 (cyclin dependent kinase like 5; plus strand), RS1 (retinoschisin 1; minus strand). Cytogenetic location: Xp22.13.
Variant type: single nucleotide variant.
Coding change: c.374T>G on transcript NM_000330.4 (MANE Select); coding-DNA position 374, T replaced by G.
Protein change: p.Ile125Arg; replaces isoleucine 125 with arginine.
Molecular consequence: missense variant. On other transcripts: intron variant (2).
Genome position (GRCh38, 1-based): chrX:18,644,578, A>C on the plus strand (T>G on the coding strand, the complement: RS1 is on the minus strand). VCF-style: chrX-18644578-A-C. GRCh37 (hg19) VCF-style: chrX-18662698-A-C.
Other names: c.2714-1429A>C (NM_003159.3, NM_001037343.2); short protein forms I125R.
Identifiers: ClinVar variation 68073 (VCV000068073.4), dbSNP rs199469695, ClinGen allele CA218962.

ClinVar aggregate classification (germline): Uncertain significance (0 of 4 stars; one submission).

Submission:

SN ONGC Dept of Genetics and Molecular biology Vision Research Foundation
Classification: Uncertain significance. Review status: no assertion criteria provided. Collection method: not provided. Allele origin: germline.
Comment: macular schisis
ClinVar note: Converted during submission from unknown to Uncertain significance.